The following is an entry in ClinVar:

NM_006230.4(POLD2):c.104C>T (p.Ser35Phe)

Gene: POLD2 (DNA polymerase delta 2, accessory subunit; minus strand). Cytogenetic location: 7p13.
Variant type: single nucleotide variant.
Coding change: c.104C>T on transcript NM_006230.4 (MANE Select); coding-DNA position 104, C replaced by T.
Protein change: p.Ser35Phe; replaces serine 35 with phenylalanine.
Molecular consequence: missense variant.
Genome position (GRCh38, 1-based): chr7:44,121,950, G>A on the plus strand (C>T on the coding strand, the complement: POLD2 is on the minus strand). VCF-style: chr7-44121950-G-A. GRCh37 (hg19) VCF-style: chr7-44161549-G-A.
Other names: c.104C>T, p.Ser35Phe (NM_001127218.3, NM_001256879.2); short protein forms S35F.
Identifiers: ClinVar variation 2964230 (VCV002964230.3), dbSNP rs145901127, ClinGen allele CA157893481.

ClinVar aggregate classification (germline): Uncertain significance (1 of 4 stars; one submission).

Allele frequency attached by ClinVar (database versions not stated): gnomAD exomes below 0.00001; gnomAD 0.00001; TOPMed 0.00003; ESP Exome Variant Server 0.00008.
gnomAD v4.1: 5 of 1,613,834 alleles (0.00031%); highest among the groups gnomAD compares: African/African-American, 0.0013%; no homozygotes.

Submission:

Labcorp Genetics (formerly Invitae), Labcorp
Classification: Uncertain significance. Last evaluated: 2024-12-18. Review status: criteria provided, single submitter. Criteria: Invitae Variant Classification Sherloc (09022015). Collection method: clinical testing. Allele origin: germline.
Comment: This sequence change replaces serine, which is neutral and polar, with phenylalanine, which is neutral and non-polar, at codon 70 of the POLD2 protein (p.Ser70Phe). This variant is present in population databases (rs145901127, gnomAD 0.007%). This variant has not been reported in the literature in individuals affected with POLD2-related conditions. ClinVar contains an entry for this variant (Variation ID: 2964230). Experimental studies and prediction algorithms are not available or were not evaluated, and the functional significance of this variant is currently unknown. In summary, the available evidence is currently insufficient to determine the role of this variant in disease. Therefore, it has been classified as a Variant of Uncertain Significance.